The following is an entry in ClinVar:

ClinVar aggregate classification (germline): Likely pathogenic (1 of 4 stars; one submission).

Conditions:
Metachromatic leukodystrophy (MLD). Also called: Cerebral sclerosis diffuse metachromatic form; Arylsulfatase A Deficiency; ARSA DEFICIENCY; CEREBROSIDE SULFATASE DEFICIENCY; METACHROMATIC LEUKOENCEPHALOPATHY; SULFATIDE LIPIDOSIS. Identifiers: Orphanet 512, MedGen C0023522, MONDO:0018868, OMIM 250100.

Submission:

Labcorp Genetics (formerly Invitae), Labcorp
Classification: Likely pathogenic for Metachromatic leukodystrophy. Last evaluated: 2026-01-12. Review status: criteria provided, single submitter. Criteria: Invitae Variant Classification Sherloc (09022015). Collection method: clinical testing. Allele origin: germline.
Comment: This sequence change replaces proline, which is neutral and non-polar, with leucine, which is neutral and non-polar, at codon 233 of the ARSA protein (p.Pro233Leu). This variant is not present in population databases (gnomAD no frequency). This missense change has been observed in individual(s) with clinical features of metachromatic leukodystrophy (internal data). In at least one individual the data is consistent with being in trans (on the opposite chromosome) from a pathogenic variant. Invitae Evidence Modeling of protein sequence and biophysical properties (such as structural, functional, and spatial information, amino acid conservation, physicochemical variation, residue mobility, and thermodynamic stability) indicates that this missense variant is expected to disrupt ARSA protein function with a positive predictive value of 95%. In summary, the currently available evidence indicates that the variant is pathogenic, but additional data are needed to prove that conclusively. Therefore, this variant has been classified as Likely Pathogenic.

NM_000487.6(ARSA):c.698C>T (p.Pro233Leu)

Gene: ARSA (arylsulfatase A; minus strand). Cytogenetic location: 22q13.33.
Variant type: single nucleotide variant.
Coding change: c.698C>T on transcript NM_000487.6 (MANE Select); coding-DNA position 698, C replaced by T.
Protein change: p.Pro233Leu; replaces proline 233 with leucine.
Molecular consequence: missense variant.
Genome position (GRCh38, 1-based): chr22:50,626,747, G>A on the plus strand (C>T on the coding strand, the complement: ARSA is on the minus strand). VCF-style: chr22-50626747-G-A. GRCh37 (hg19) VCF-style: chr22-51065175-G-A.
Other names: c.698C>T, p.Pro233Leu (NM_001085425.3, NM_001085426.3, NM_001085427.3); c.440C>T, p.Pro147Leu (NM_001085428.3, NM_001362782.2); short protein forms P147L, P233L.
Identifiers: ClinVar variation 4770705 (VCV004770705.1).